The following is an entry in ClinVar:

NM_001358530.2(MOCS1):c.48del (p.Ser17fs)

Gene: MOCS1 (molybdenum cofactor synthesis 1; minus strand). Cytogenetic location: 6p21.2.
Variant type: Deletion.
Coding change: c.48del on transcript NM_001358530.2 (MANE Select); coding-DNA position 48, one base deleted (C; older notation c.48delC).
Protein change: p.Ser17fs; shifts the reading frame from serine 17.
Molecular consequence: frameshift variant. On other transcripts: 5 prime UTR variant (2), non-coding transcript variant (1).
Genome position (GRCh38, 1-based): chr6:39,934,370, G deleted on the plus strand (C on the coding strand, the reverse complement: MOCS1 is on the minus strand); the first of 2 consecutive G bases (chr6:39,934,370-39,934,371); deleting either gives the same sequence. VCF-style (leftmost placement, unchanged base first): chr6-39934369-TG-T. GRCh37 (hg19) VCF-style: chr6-39902108-TG-T.
Other names: c.48del, p.Ser17fs (NM_001075098.4, NM_001358529.2); c.-87del (NM_001358531.2, NM_001358533.2); short protein forms S17fs.
Identifiers: ClinVar variation 1456535 (VCV001456535.6), dbSNP rs2149429492, ClinGen allele CA2573140726.

ClinVar aggregate classification (germline): Pathogenic (1 of 4 stars; one submission).

Conditions:
Sulfite oxidase deficiency due to molybdenum cofactor deficiency type A. Also called: Molybdenum cofactor deficiency, complementation group A; Molybdenum Cofactor Deficiency A. Identifiers: Orphanet 308386, Orphanet 833, MedGen C1854988, MONDO:0009643, OMIM 252150.

Submission:

Labcorp Genetics (formerly Invitae), Labcorp
Classification: Pathogenic for Sulfite oxidase deficiency due to molybdenum cofactor deficiency type A. Last evaluated: 2021-01-08. Review status: criteria provided, single submitter. Criteria: Invitae Variant Classification Sherloc (09022015). Collection method: clinical testing. Allele origin: germline.
Comment: For these reasons, this variant has been classified as Pathogenic. This variant has not been reported in the literature in individuals with MOCS1-related conditions. The frequency data for this variant in the population databases is considered unreliable, as metrics indicate insufficient coverage at this position in the ExAC database. This sequence change creates a premature translational stop signal (p.Ser17Alafs*11) in the MOCS1 gene. It is expected to result in an absent or disrupted protein product. Loss-of-function variants in MOCS1 are known to be pathogenic (PMID: 12754701, 16021469).

Literature cited by the submitters: PubMed 12754701; PubMed 16021469.